The following is an entry in ClinVar:

NM_001282860.2(GON4L):c.944C>T (p.Thr315Met)

Gene: GON4L (gon-4 like; minus strand). Cytogenetic location: 1q22.
Variant type: single nucleotide variant.
Coding change: c.944C>T on transcript NM_001282860.2 (MANE Select); coding-DNA position 944, C replaced by T.
Protein change: p.Thr315Met; replaces threonine 315 with methionine.
Molecular consequence: missense variant.
Genome position (GRCh38, 1-based): chr1:155,821,493, G>A on the plus strand (C>T on the coding strand, the complement: GON4L is on the minus strand). VCF-style: chr1-155821493-G-A. GRCh37 (hg19) VCF-style: chr1-155791284-G-A.
Other names: c.944C>T, p.Thr315Met (NM_001282856.2, NM_001282858.2, NM_001282861.2 and 1 more transcripts); short protein forms T315M.
Identifiers: ClinVar variation 4822462 (VCV004822462.4).

ClinVar aggregate classification (germline): Uncertain significance (1 of 4 stars; one submission).

gnomAD v4.1: 19 of 1,595,558 alleles (0.0012%); highest among the groups gnomAD compares: African/African-American, 0.0027%; no homozygotes.

Submission:

CeGaT Center for Human Genetics Tuebingen
Classification: Uncertain significance. Last evaluated: 2026-03-01. Review status: criteria provided, single submitter. Criteria: CeGaT Center For Human Genetics Tuebingen Variant Classification Criteria Version 2. Collection method: clinical testing. Allele origin: germline. Affected: yes. Observed: 1 variant allele.
Comment: GON4L: PM2